The following is an entry in ClinVar:

ClinVar aggregate classification (germline): Uncertain significance (1 of 4 stars; one submission).

Conditions:
Primary ciliary dyskinesia. Also called: Ciliary dyskinesia. Identifiers: Orphanet 244, MedGen C0008780, MONDO:0016575, HP:0012265.

Submission:

Labcorp Genetics (formerly Invitae), Labcorp
Classification: Uncertain significance for Primary ciliary dyskinesia. Last evaluated: 2024-10-19. Review status: criteria provided, single submitter. Criteria: Invitae Variant Classification Sherloc (09022015). Collection method: clinical testing. Allele origin: germline.
Comment: This sequence change replaces asparagine, which is neutral and polar, with serine, which is neutral and polar, at codon 2618 of the DNAH5 protein (p.Asn2618Ser). This variant is not present in population databases (gnomAD no frequency). This variant has not been reported in the literature in individuals affected with DNAH5-related conditions. Invitae Evidence Modeling of protein sequence and biophysical properties (such as structural, functional, and spatial information, amino acid conservation, physicochemical variation, residue mobility, and thermodynamic stability) indicates that this missense variant is not expected to disrupt DNAH5 protein function with a negative predictive value of 95%. In summary, the available evidence is currently insufficient to determine the role of this variant in disease. Therefore, it has been classified as a Variant of Uncertain Significance.

NM_001369.3(DNAH5):c.7853A>G (p.Asn2618Ser)

Gene: DNAH5 (dynein axonemal heavy chain 5; minus strand). Cytogenetic location: 5p15.2.
Variant type: single nucleotide variant.
Coding change: c.7853A>G on transcript NM_001369.3 (MANE Select); coding-DNA position 7853, A replaced by G.
Protein change: p.Asn2618Ser; replaces asparagine 2618 with serine.
Molecular consequence: missense variant.
Genome position (GRCh38, 1-based): chr5:13,807,625, T>C on the plus strand (A>G on the coding strand, the complement: DNAH5 is on the minus strand). VCF-style: chr5-13807625-T-C. GRCh37 (hg19) VCF-style: chr5-13807734-T-C.
Other names: short protein forms N2618S.
Identifiers: ClinVar variation 3629276 (VCV003629276.2).
Genomic context (GRCh38, chr5:13,807,625, plus strand): 5'-ACTGAGCCATACCAAAGAGCCAGTACCTGGAACATCAGTGGGGTGGTTGCAGAAGAAAAA[T>C]TCAGACTCTTGATCATGTGACATTCAGGATCATATTTTGACATAAATCCTTTAATTATTA-3'
Protein context (NP_001360.1, residues 2608-2628): DPECHMIKSL[Asn2618Ser]FSSATTPLMF